The following is an entry in ClinVar:

NM_138576.4(BCL11B):c.2383A>T (p.Ser795Cys)

Gene: BCL11B (BCL11 transcription factor B; minus strand). Cytogenetic location: 14q32.2.
Variant type: single nucleotide variant.
Coding change: c.2383A>T on transcript NM_138576.4 (MANE Select); coding-DNA position 2383, A replaced by T.
Protein change: p.Ser795Cys; replaces serine 795 with cysteine.
Molecular consequence: missense variant.
Genome position (GRCh38, 1-based): chr14:99,174,453, T>A on the plus strand (A>T on the coding strand, the complement: BCL11B is on the minus strand). VCF-style: chr14-99174453-T-A. GRCh37 (hg19) VCF-style: chr14-99640790-T-A.
Other names: c.2380A>T, p.Ser794Cys (NM_001282237.2); c.2167A>T, p.Ser723Cys (NM_001282238.2); c.2170A>T, p.Ser724Cys (NM_022898.3); short protein forms S723C, S724C, S794C, S795C.
Identifiers: ClinVar variation 1712843 (VCV001712843.3), dbSNP rs2503636914, ClinGen allele CA390933356.

ClinVar aggregate classification (germline): Uncertain significance (1 of 4 stars; one submission).

Submission:

GeneDx
Classification: Uncertain significance. Last evaluated: 2023-07-03. Review status: criteria provided, single submitter. Criteria: GeneDx Variant Classification Process June 2021. Collection method: clinical testing. Allele origin: germline.
Comment: Not observed at significant frequency in large population cohorts (gnomAD); In silico analysis supports that this missense variant has a deleterious effect on protein structure/function; Has not been previously published as pathogenic or benign to our knowledge